The following is an entry in ClinVar:

NM_001281775.3(ZMYND8):c.749G>A (p.Gly250Glu)

Gene: ZMYND8 (zinc finger MYND-type containing 8; minus strand). Cytogenetic location: 20q13.12.
Variant type: single nucleotide variant.
Coding change: c.749G>A on transcript NM_001281775.3 (MANE Select); coding-DNA position 749, G replaced by A.
Protein change: p.Gly250Glu; replaces glycine 250 with glutamic acid.
Molecular consequence: missense variant. On other transcripts: 5 prime UTR variant (2).
Genome position (GRCh38, 1-based): chr20:47,287,284, C>T on the plus strand (G>A on the coding strand, the complement: ZMYND8 is on the minus strand). VCF-style: chr20-47287284-C-T. GRCh37 (hg19) VCF-style: chr20-45916028-C-T.
Other names: c.674G>A, p.Gly225Glu (NM_001281771.3, NM_001281777.3, NM_001281778.3 and 4 more transcripts); c.689G>A, p.Gly230Glu (NM_001281772.3, NM_001281773.3, NM_001281774.3 and 1 more transcripts); c.749G>A, p.Gly250Glu (NM_001281776.3, NM_001281783.3, NM_012408.6 and 1 more transcripts); c.-187G>A (NM_001281779.3, NM_001281780.3); c.770G>A, p.Gly257Glu (NM_001363714.1); short protein forms G225E, G230E, G250E, G257E.
Identifiers: ClinVar variation 3366054 (VCV003366054.2).

ClinVar aggregate classification (germline): Likely pathogenic (1 of 4 stars; one submission).

Submission:

GeneDx
Classification: Likely pathogenic. Last evaluated: 2025-05-16. Review status: criteria provided, single submitter. Criteria: GeneDx Variant Classification Process June 2021. Collection method: clinical testing. Allele origin: germline.
Comment: Not observed at significant frequency in large population cohorts (gnomAD); In silico analysis supports that this missense variant has a deleterious effect on protein structure/function; This variant is associated with the following publications: (PMID: 35916866, 33057194, 35982159)